The following is an entry in ClinVar:

ClinVar aggregate classification (germline): Uncertain significance (1 of 4 stars; one submission).

Allele frequency attached by ClinVar (database versions not stated): gnomAD 0.00001; ExAC 0.00002; TOPMed 0.00002.
gnomAD v4.1: 15 of 1,477,166 alleles (0.001%); highest among the groups gnomAD compares: East Asian, 0.0047%; no homozygotes.

Submission:

Labcorp Genetics (formerly Invitae), Labcorp
Classification: Uncertain significance. Last evaluated: 2022-09-07. Review status: criteria provided, single submitter. Criteria: Invitae Variant Classification Sherloc (09022015). Collection method: clinical testing. Allele origin: germline.
Comment: In summary, the available evidence is currently insufficient to determine the role of this variant in disease. Therefore, it has been classified as a Variant of Uncertain Significance. Variants that disrupt the consensus splice site are a relatively common cause of aberrant splicing (PMID: 17576681, 9536098). Algorithms developed to predict the effect of sequence changes on RNA splicing suggest that this variant is not likely to affect RNA splicing. This variant has not been reported in the literature in individuals affected with ERBIN-related conditions. This variant is present in population databases (rs776011484, gnomAD 0.01%). This sequence change falls in intron 13 of the ERBIN gene. It does not directly change the encoded amino acid sequence of the ERBIN protein. It affects a nucleotide within the consensus splice site.

Literature cited by the submitters: PubMed 17576681; PubMed 9536098.

NM_001253697.2(ERBIN):c.1136+4C>T

Gene: ERBIN (erbb2 interacting protein; plus strand). Cytogenetic location: 5q12.3.
Variant type: single nucleotide variant.
Coding change: c.1136+4C>T on transcript NM_001253697.2 (MANE Select); 4 bases into the intron after coding-DNA position 1136, C replaced by T.
Molecular consequence: intron variant.
Genome position (GRCh38, 1-based): chr5:66,026,421, C>T. VCF-style: chr5-66026421-C-T. GRCh37 (hg19) VCF-style: chr5-65322249-C-T.
Other names: c.1136+4C>T (NM_001253699.2, NM_018695.4, NM_001253698.2 and 2 more transcripts).
Identifiers: ClinVar variation 2418269 (VCV002418269.5), dbSNP rs776011484, ClinGen allele CA3286157.